The following is an entry in ClinVar:

NM_001267550.2(TTN):c.102308A>T (p.Asn34103Ile)

Genes: TTN-AS1 (TTN antisense RNA 1; plus strand), TTN (titin; minus strand). Cytogenetic location: 2q31.2.
Variant type: single nucleotide variant.
Coding change: c.102308A>T on transcript NM_001267550.2 (MANE Select); coding-DNA position 102308, A replaced by T.
Protein change: p.Asn34103Ile; replaces asparagine 34103 with isoleucine.
Molecular consequence: missense variant.
Genome position (GRCh38, 1-based): chr2:178,534,307, T>A on the plus strand (A>T on the coding strand, the complement: TTN is on the minus strand). VCF-style: chr2-178534307-T-A. GRCh37 (hg19) VCF-style: chr2-179399034-T-A.
Other names: c.97385A>T, p.Asn32462Ile (NM_001256850.1); c.75113A>T, p.Asn25038Ile (NM_003319.4); c.94604A>T, p.Asn31535Ile (NM_133378.4); c.75488A>T, p.Asn25163Ile (NM_133432.3); c.75689A>T, p.Asn25230Ile (NM_133437.4); short protein forms N25230I, N25038I, N32462I, N25163I, N31535I, N34103I.
Identifiers: ClinVar variation 1438624 (VCV001438624.7), dbSNP rs557630306, ClinGen allele CA1985770.

ClinVar aggregate classification (germline): Uncertain significance (1 of 4 stars; one submission).

Conditions:
Dilated cardiomyopathy 1G (CMD1G). Identifiers: Orphanet 154, MedGen C1858763, MONDO:0011400, OMIM 604145.
Autosomal recessive limb-girdle muscular dystrophy type 2J (LGMDR10). Also called: Limb-girdle muscular dystrophy, type 2J; MUSCULAR DYSTROPHY, LIMB-GIRDLE, AUTOSOMAL RECESSIVE 10. Identifiers: Orphanet 140922, MedGen C1837342, MONDO:0012127, OMIM 608807.

Allele frequency attached by ClinVar (database versions not stated): TOPMed below 0.00001; ExAC 0.00001; gnomAD 0.00002; 1000 Genomes Project 0.00020; 1000 Genomes Project 30x 0.00031.
gnomAD v4.1: 9 of 1,613,696 alleles (0.00056%); highest among the groups gnomAD compares: East Asian, 0.02%; no homozygotes.

Submission:

Labcorp Genetics (formerly Invitae), Labcorp
Classification: Uncertain significance for Dilated cardiomyopathy 1G; Autosomal recessive limb-girdle muscular dystrophy type 2J. Last evaluated: 2024-09-23. Review status: criteria provided, single submitter. Criteria: Invitae Variant Classification Sherloc (09022015). Collection method: clinical testing. Allele origin: germline.
Comment: This sequence change replaces asparagine, which is neutral and polar, with isoleucine, which is neutral and non-polar, at codon 34103 of the TTN protein (p.Asn34103Ile). This variant is present in population databases (rs557630306, gnomAD 0.05%). This variant has not been reported in the literature in individuals affected with TTN-related conditions. ClinVar contains an entry for this variant (Variation ID: 1438624). Experimental studies and prediction algorithms are not available or were not evaluated, and the functional significance of this variant is currently unknown. This variant is located in the M band of TTN (PMID: 25589632). Non-truncating variants in this region may be relevant for neuromuscular disorders, but have not been definitively shown to cause cardiomyopathy (PMID: 23975875). In summary, the available evidence is currently insufficient to determine the role of this variant in disease. Therefore, it has been classified as a Variant of Uncertain Significance.

Literature cited by the submitters: PubMed 25589632; PubMed 23975875.